The following is an entry in ClinVar:

ClinVar aggregate classification (germline): Uncertain significance (1 of 4 stars; one submission).

Submission:

CeGaT Center for Human Genetics Tuebingen
Classification: Uncertain significance. Last evaluated: 2025-09-01. Review status: criteria provided, single submitter. Criteria: CeGaT Center For Human Genetics Tuebingen Variant Classification Criteria Version 2. Collection method: clinical testing. Allele origin: germline. Affected: yes. Observed: 1 variant allele.
Comment: ANK3: PM2, PP3

NM_020987.5(ANK3):c.9389G>T (p.Gly3130Val)

Gene: ANK3 (ankyrin 3; minus strand). Cytogenetic location: 10q21.2.
Variant type: single nucleotide variant.
Coding change: c.9389G>T on transcript NM_020987.5 (MANE Select); coding-DNA position 9389, G replaced by T.
Protein change: p.Gly3130Val; replaces glycine 3130 with valine.
Molecular consequence: missense variant. On other transcripts: intron variant (4).
Genome position (GRCh38, 1-based): chr10:60,071,492, C>A on the plus strand (G>T on the coding strand, the complement: ANK3 is on the minus strand). VCF-style: chr10-60071492-C-A. GRCh37 (hg19) VCF-style: chr10-61831250-C-A.
Other names: c.4388-3483G>T (NM_001204403.2); c.4409-3483G>T (NM_001204404.2); c.4406-3483G>T (NM_001320874.2); c.1808-3483G>T (NM_001149.4); short protein forms G3130V.
Identifiers: ClinVar variation 4281356 (VCV004281356.7).